The following is an entry in ClinVar:

NM_021728.4(OTX2):c.64A>G (p.Met22Val)

Gene: OTX2 (orthodenticle homeobox 2; minus strand). Cytogenetic location: 14q22.3.
Variant type: single nucleotide variant.
Coding change: c.64A>G on transcript NM_021728.4 (MANE Select); coding-DNA position 64, A replaced by G.
Protein change: p.Met22Val; replaces methionine 22 with valine.
Molecular consequence: missense variant. On other transcripts: non-coding transcript variant (2).
Genome position (GRCh38, 1-based): chr14:56,805,393, T>C on the plus strand (A>G on the coding strand, the complement: OTX2 is on the minus strand). VCF-style: chr14-56805393-T-C. GRCh37 (hg19) VCF-style: chr14-57272111-T-C.
Other names: c.64A>G (NM_172337.1); c.64A>G, p.Met22Val (NM_001270523.2, NM_001270524.2, NM_001270525.2 and 1 more transcripts); short protein forms M22V.
Identifiers: ClinVar variation 964984 (VCV000964984.10), dbSNP rs200680654, ClinGen allele CA7200576.
Genomic context (GRCh38, chr14:56,805,393, plus strand): 5'-TGCGGGAGTGCAGCAGGGCTCACTTACCCGGGTAGCCCACGGAGGGGTGCAGCAAGTCCA[T>C]ACCCGAAGTGGTCAGACTCAGCCCATTGACTGCGTAAGGCGGTTGCTTAAGATAAGACAT-3'
Protein context (NP_068374.1, residues 12-32): VNGLSLTTSG[Met22Val]DLLHPSVGYP

ClinVar aggregate classification (germline): Conflicting classifications of pathogenicity. Review status: criteria provided, conflicting classifications (1 of 4 stars). 2 submissions from 2 submitters: Uncertain significance (1); Likely benign (1). Last evaluated 2023-01-10.

Conditions:
Inborn genetic diseases. Identifiers: MedGen C0950123, MeSH D030342.
Anophthalmia-microphthalmia syndrome. Also called: Anophthalmia/Microphthalmia; Anophthalmia - microphthalmia. Identifiers: Orphanet 98555, MedGen C5680330, MONDO:0020147.

Allele frequency attached by ClinVar (database versions not stated): gnomAD 0.00001; gnomAD exomes 0.00001 and 0.00004; TOPMed 0.00002; ExAC 0.00007; 1000 Genomes Project 30x 0.00016; 1000 Genomes Project 0.00020.
gnomAD v4.1: 19 of 1,613,830 alleles (0.0012%); highest among the groups gnomAD compares: Non-Finnish European, 0.0016%; no homozygotes.

Submissions (2):

Ambry Genetics
Classification: Likely benign for Inborn genetic diseases. Last evaluated: 2023-01-10. Review status: criteria provided, single submitter. Criteria: Ambry Variant Classification Scheme 2023. Collection method: clinical testing. Allele origin: germline.

Labcorp Genetics (formerly Invitae), Labcorp
Classification: Uncertain significance for Anophthalmia-microphthalmia syndrome. Last evaluated: 2022-12-22. Review status: criteria provided, single submitter. Criteria: Invitae Variant Classification Sherloc (09022015). Collection method: clinical testing. Allele origin: germline.
Comment: This sequence change replaces methionine, which is neutral and non-polar, with valine, which is neutral and non-polar, at codon 22 of the OTX2 protein (p.Met22Val). This variant is present in population databases (rs200680654, gnomAD 0.008%). This variant has not been reported in the literature in individuals affected with OTX2-related conditions. ClinVar contains an entry for this variant (Variation ID: 964984). Algorithms developed to predict the effect of missense changes on protein structure and function are either unavailable or do not agree on the potential impact of this missense change (SIFT: "Deleterious"; PolyPhen-2: "Benign"; Align-GVGD: "Class C15"). In summary, the available evidence is currently insufficient to determine the role of this variant in disease. Therefore, it has been classified as a Variant of Uncertain Significance.